The following is an entry in ClinVar:

ClinVar aggregate classification (germline): Uncertain significance (1 of 4 stars; one submission).

Conditions:
Tumor predisposition syndrome 3 (TPDS3). Also called: Melanoma, cutaneous malignant, susceptibility to, 10; Glioma susceptibility 9; LONG TELOMERE SYNDROME, POT1-RELATED; POT1 Tumor Predisposition. Identifiers: Orphanet 618, MedGen C4014476, MONDO:0014368, OMIM 615848.

Submission:

Labcorp Genetics (formerly Invitae), Labcorp
Classification: Uncertain significance for Tumor predisposition syndrome 3. Last evaluated: 2022-02-21. Review status: criteria provided, single submitter. Criteria: Invitae Variant Classification Sherloc (09022015). Collection method: clinical testing. Allele origin: germline.
Comment: This variant disrupts the p.Arg117 amino acid residue in POT1. Other variant(s) that disrupt this residue have been determined to be pathogenic (PMID: 26403419; Invitae). This suggests that this residue is clinically significant, and that variants that disrupt this residue are likely to be disease-causing. This sequence change replaces arginine, which is basic and polar, with glycine, which is neutral and non-polar, at codon 117 of the POT1 protein (p.Arg117Gly). This variant is not present in population databases (gnomAD no frequency). This variant has not been reported in the literature in individuals affected with POT1-related conditions. Algorithms developed to predict the effect of missense changes on protein structure and function are either unavailable or do not agree on the potential impact of this missense change (SIFT: "Deleterious"; PolyPhen-2: "Possibly Damaging"; Align-GVGD: "Class C0"). In summary, the available evidence is currently insufficient to determine the role of this variant in disease. Therefore, it has been classified as a Variant of Uncertain Significance.

Literature cited by the submitters: PubMed 26403419.

NM_015450.3(POT1):c.349C>G (p.Arg117Gly)

Gene: POT1 (protection of telomeres 1; minus strand). Cytogenetic location: 7q31.33.
Variant type: single nucleotide variant.
Coding change: c.349C>G on transcript NM_015450.3 (MANE Select); coding-DNA position 349, C replaced by G.
Protein change: p.Arg117Gly; replaces arginine 117 with glycine.
Molecular consequence: missense variant. On other transcripts: 5 prime UTR variant (1), non-coding transcript variant (3).
Genome position (GRCh38, 1-based): chr7:124,863,547, G>C on the plus strand (C>G on the coding strand, the complement: POT1 is on the minus strand). VCF-style: chr7-124863547-G-C. GRCh37 (hg19) VCF-style: chr7-124503601-G-C.
Other names: c.-45C>G (NM_001042594.2); short protein forms R117G.
Identifiers: ClinVar variation 2089498 (VCV002089498.4), dbSNP rs780936436, ClinGen allele CA369059976.